The following is an entry in ClinVar:

NM_001999.4(FBN2):c.-33C>A

Gene: FBN2 (fibrillin 2; minus strand). Cytogenetic location: 5q23.3.
Variant type: single nucleotide variant.
Coding change: c.-33C>A on transcript NM_001999.4 (MANE Select); 33 bases upstream of the start codon, C replaced by A.
Molecular consequence: 5 prime UTR variant.
Genome position (GRCh38, 1-based): chr5:128,537,636, G>T on the plus strand (C>A on the coding strand, the complement: FBN2 is on the minus strand). VCF-style: chr5-128537636-G-T. GRCh37 (hg19) VCF-style: chr5-127873329-G-T.
Identifiers: ClinVar variation 383508 (VCV000383508.1), dbSNP rs1057521647, ClinGen allele CA16605271.

ClinVar aggregate classification (germline): Likely benign (1 of 4 stars; one submission).

Allele frequency attached by ClinVar (database versions not stated): gnomAD exomes below 0.00001.
gnomAD v4.1: 2 of 1,595,918 alleles (0.00013%); highest among the groups gnomAD compares: Non-Finnish European, 0.00017%; no homozygotes.

Submission:

GeneDx
Classification: Likely benign. Last evaluated: 2016-02-09. Review status: criteria provided, single submitter. Criteria: GeneDx Variant Classification (06012015). Collection method: clinical testing. Allele origin: germline. Affected: yes.
Comment: This variant is considered likely benign or benign based on one or more of the following criteria: it is a conservative change, it occurs at a poorly conserved position in the protein, it is predicted to be benign by multiple in silico algorithms, and/or has population frequency not consistent with disease.